The following is an entry in ClinVar:

ClinVar aggregate classification (germline): Conflicting classifications of pathogenicity. Review status: criteria provided, conflicting classifications (1 of 4 stars). 2 submissions from 2 submitters: Likely pathogenic (1); Uncertain significance (1). Last evaluated 2025-04-01.

Conditions:
Van der Woude syndrome. Identifiers: Orphanet 888, MedGen C0175697, MONDO:0019508.
Orofacial cleft 6, susceptibility to (OFC6). Also called: CLEFT LIP WITH OR WITHOUT CLEFT PALATE, NONSYNDROMIC, 6. Identifiers: MedGen C1837213, MONDO:0012141, OMIM 608864.
Popliteal pterygium syndrome (PPS). Identifiers: Orphanet 294963, MedGen C0265259, MONDO:0017435.

Allele frequency attached by ClinVar (database versions not stated): ExAC 0.00001; gnomAD exomes 0.00001.

Submissions (2):

GeneDx
Classification: Likely pathogenic. Last evaluated: 2025-04-01. Review status: criteria provided, single submitter. Criteria: GeneDx Variant Classification Process June 2021. Collection method: clinical testing. Allele origin: germline. Affected: yes.
Comment: Functional studies demonstrated that the c.921C>T variant resulted in aberrant splicing with multiple abnormal and truncated transcripts (PMID: 32784565); In silico analysis supports a deleterious effect on splicing; This variant is associated with the following publications: (PMID: 32784565, 21468557, 38546517)

Labcorp Genetics (formerly Invitae), Labcorp
Classification: Uncertain significance for Orofacial cleft 6, susceptibility to; Van der Woude syndrome; Popliteal pterygium syndrome. Last evaluated: 2021-02-23. Review status: criteria provided, single submitter. Criteria: Invitae Variant Classification Sherloc (09022015). Collection method: clinical testing. Allele origin: germline.
Comment: In summary, the available evidence is currently insufficient to determine the role of this variant in disease. Therefore, it has been classified as a Variant of Uncertain Significance. Algorithms developed to predict the effect of sequence changes on RNA splicing suggest that this variant is not likely to affect RNA splicing, but this prediction has not been confirmed by published transcriptional studies. This variant has been observed in individual(s) with clinical features of van der Woude syndrome (PMID: 21468557). This variant is present in population databases (rs750815592, ExAC 0.009%). This sequence change affects codon 307 of the IRF6 mRNA. It is a 'silent' change, meaning that it does not change the encoded amino acid sequence of the IRF6 protein.

Literature cited by the submitters: PubMed 21468557 (cited by Labcorp Genetics (formerly Invitae), Labcorp).

NM_006147.4(IRF6):c.921C>T (p.Ser307=)

Gene: IRF6 (interferon regulatory factor 6; minus strand). Cytogenetic location: 1q32.2.
Variant type: single nucleotide variant.
Coding change: c.921C>T on transcript NM_006147.4 (MANE Select); coding-DNA position 921, C replaced by T.
Protein change: p.Ser307=; no amino-acid change (serine 307 retained).
Molecular consequence: synonymous variant.
Genome position (GRCh38, 1-based): chr1:209,790,634, G>A on the plus strand (C>T on the coding strand, the complement: IRF6 is on the minus strand). VCF-style: chr1-209790634-G-A. GRCh37 (hg19) VCF-style: chr1-209963979-G-A.
Other names: c.636C>T, p.Ser212= (NM_001206696.2); c.921C>T (NM_006147.3).
Identifiers: ClinVar variation 1409081 (VCV001409081.9), dbSNP rs750815592, ClinGen allele CA1377234.